The following is an entry in ClinVar:

ClinVar aggregate classification (germline): Uncertain significance (1 of 4 stars; one submission).

Conditions:
Rubinstein-Taybi syndrome (RSTS). Identifiers: Orphanet 783, MedGen C0035934, MONDO:0019188.

gnomAD v4.1: 3 of 1,613,658 alleles (0.00019%); highest among the groups gnomAD compares: African/African-American, 0.0027%; no homozygotes.

Submission:

Labcorp Genetics (formerly Invitae), Labcorp
Classification: Uncertain significance for Rubinstein-Taybi syndrome. Last evaluated: 2025-05-18. Review status: criteria provided, single submitter. Criteria: Invitae Variant Classification Sherloc (09022015). Collection method: clinical testing. Allele origin: germline.
Comment: This sequence change replaces methionine, which is neutral and non-polar, with threonine, which is neutral and polar, at codon 835 of the CREBBP protein (p.Met835Thr). This variant is not present in population databases (gnomAD no frequency). This variant has not been reported in the literature in individuals affected with CREBBP-related conditions. ClinVar contains an entry for this variant (Variation ID: 3673008). Invitae Evidence Modeling of protein sequence and biophysical properties (such as structural, functional, and spatial information, amino acid conservation, physicochemical variation, residue mobility, and thermodynamic stability) indicates that this missense variant is not expected to disrupt CREBBP protein function with a negative predictive value of 95%. In summary, the available evidence is currently insufficient to determine the role of this variant in disease. Therefore, it has been classified as a Variant of Uncertain Significance.

NM_004380.3(CREBBP):c.2504T>C (p.Met835Thr)

Gene: CREBBP (CREB binding lysine acetyltransferase; minus strand). Cytogenetic location: 16p13.3.
Variant type: single nucleotide variant.
Coding change: c.2504T>C on transcript NM_004380.3 (MANE Select); coding-DNA position 2504, T replaced by C.
Protein change: p.Met835Thr; replaces methionine 835 with threonine.
Molecular consequence: missense variant.
Genome position (GRCh38, 1-based): chr16:3,770,946, A>G on the plus strand (T>C on the coding strand, the complement: CREBBP is on the minus strand). VCF-style: chr16-3770946-A-G. GRCh37 (hg19) VCF-style: chr16-3820947-A-G.
Other names: c.2390T>C, p.Met797Thr (NM_001079846.1); short protein forms M835T, M797T.
Identifiers: ClinVar variation 3673008 (VCV003673008.2).